The following is an entry in ClinVar:

ClinVar aggregate classification (germline): Uncertain significance (1 of 4 stars; one submission).

Conditions:
Oligodontia-cancer predisposition syndrome. Also called: TOOTH AGENESIS-COLORECTAL CANCER SYNDROME. Identifiers: Orphanet 300576, MedGen C1837750, MONDO:0012075, OMIM 608615. Disease mechanism: loss of function.

Submission:

Labcorp Genetics (formerly Invitae), Labcorp
Classification: Uncertain significance for Oligodontia-cancer predisposition syndrome. Last evaluated: 2023-12-11. Review status: criteria provided, single submitter. Criteria: Invitae Variant Classification Sherloc (09022015). Collection method: clinical testing. Allele origin: germline.
Comment: This sequence change replaces proline, which is neutral and non-polar, with leucine, which is neutral and non-polar, at codon 13 of the AXIN2 protein (p.Pro13Leu). This variant is not present in population databases (gnomAD no frequency). This variant has not been reported in the literature in individuals affected with AXIN2-related conditions. Advanced modeling of protein sequence and biophysical properties (such as structural, functional, and spatial information, amino acid conservation, physicochemical variation, residue mobility, and thermodynamic stability) performed at Invitae indicates that this missense variant is not expected to disrupt AXIN2 protein function with a negative predictive value of 80%. In summary, the available evidence is currently insufficient to determine the role of this variant in disease. Therefore, it has been classified as a Variant of Uncertain Significance.

NM_004655.4(AXIN2):c.38C>T (p.Pro13Leu)

Gene: AXIN2 (axin 2; minus strand). Cytogenetic location: 17q24.1.
Variant type: single nucleotide variant.
Coding change: c.38C>T on transcript NM_004655.4 (MANE Select); coding-DNA position 38, C replaced by T.
Protein change: p.Pro13Leu; replaces proline 13 with leucine.
Molecular consequence: missense variant.
Genome position (GRCh38, 1-based): chr17:65,558,583, G>A on the plus strand (C>T on the coding strand, the complement: AXIN2 is on the minus strand). VCF-style: chr17-65558583-G-A. GRCh37 (hg19) VCF-style: chr17-63554701-G-A.
Other names: c.38C>T, p.Pro13Leu (NM_001363813.1); short protein forms P13L.
Identifiers: ClinVar variation 2885308 (VCV002885308.3), dbSNP rs2144592043, ClinGen allele CA400682414.